The following is an entry in ClinVar:

NM_006493.4(CLN5):c.904A>G (p.Lys302Glu)

Gene: CLN5 (CLN5 lysosomal BMP synthase; plus strand). Cytogenetic location: 13q22.3.
Variant type: single nucleotide variant.
Coding change: c.904A>G on transcript NM_006493.4 (MANE Select); coding-DNA position 904, A replaced by G.
Protein change: p.Lys302Glu; replaces lysine 302 with glutamic acid.
Molecular consequence: missense variant. On other transcripts: 3 prime UTR variant (1).
Genome position (GRCh38, 1-based): chr13:77,000,796, A>G. VCF-style: chr13-77000796-A-G. GRCh37 (hg19) VCF-style: chr13-77574931-A-G.
Other names: c.1051A>G (LRG_692t1); c.*353A>G (NM_001366624.2); short protein forms K302E.
Identifiers: ClinVar variation 409275 (VCV000409275.12), dbSNP rs1060502320, ClinGen allele CA16614338.

ClinVar aggregate classification (germline): Uncertain significance. Review status: criteria provided, multiple submitters, no conflicts (2 of 4 stars). 6 submissions from 6 submitters: Uncertain significance (5). 1 of the submissions does not count toward it. Last evaluated 2023-07-27.

Conditions:
Inborn genetic diseases. Identifiers: MedGen C0950123, MeSH D030342.
Neuronal ceroid lipofuscinosis. Also called: Neuronal Ceroid Lipofuscinoses. Identifiers: Orphanet 216, Orphanet 79263, MedGen C0027877, MONDO:0016295. Disease mechanism: loss of function.
Neuronal ceroid lipofuscinosis 5 (CLN5). Also called: CLN5-Related Neuronal Ceroid-Lipofuscinosis; CEROID LIPOFUSCINOSIS, NEURONAL, 5, VARIABLE AGE AT ONSET; Neuronal ceroid lipofuscinosis Finnish variant; NEURONAL CEROID LIPOFUSCINOSIS, LATE INFANTILE, FINNISH VARIANT. Identifiers: Orphanet 168491, Orphanet 228360, MedGen C1850442, MONDO:0009745, OMIM 256731.

Allele frequency attached by ClinVar (database versions not stated): gnomAD 0.00001; TOPMed 0.00002; gnomAD exomes 0.00005.
gnomAD v4.1: 73 of 1,612,440 alleles (0.0045%); highest among the groups gnomAD compares: Non-Finnish European, 0.006%; no homozygotes.

Submissions (6):

Athena Diagnostics
Classification: Uncertain significance. Last evaluated: 2023-07-27. Review status: criteria provided, single submitter. Criteria: Athena Diagnostics Criteria. Collection method: clinical testing. Allele origin: unknown.
Comment: Available data are insufficient to determine the clinical significance of the variant at this time. The frequency of this variant in the general population is uninformative in assessment of its pathogenicity. Computational tools predict that this variant is not damaging.

Genome-Nilou Lab
Classification: Uncertain significance for Neuronal ceroid lipofuscinosis 5. Last evaluated: 2021-09-05. Review status: criteria provided, single submitter. Criteria: ACMG Guidelines, 2015. Collection method: clinical testing. Allele origin: germline. Affected: no.

Labcorp Genetics (formerly Invitae), Labcorp
Classification: Uncertain significance for Neuronal ceroid lipofuscinosis. Last evaluated: 2021-08-31. Review status: criteria provided, single submitter. Criteria: Invitae Variant Classification Sherloc (09022015). Collection method: clinical testing. Allele origin: germline.
Comment: This sequence change replaces lysine with glutamic acid at codon 351 of the CLN5 protein (p.Lys351Glu). The lysine residue is moderately conserved and there is a small physicochemical difference between lysine and glutamic acid. This variant is not present in population databases (ExAC no frequency). This variant has not been reported in the literature in individuals affected with CLN5-related conditions. Algorithms developed to predict the effect of missense changes on protein structure and function are either unavailable or do not agree on the potential impact of this missense change (SIFT: "Tolerated"; PolyPhen-2: "Possibly Damaging"; Align-GVGD: "Class C0"). In summary, the available evidence is currently insufficient to determine the role of this variant in disease. Therefore, it has been classified as a Variant of Uncertain Significance.

Ambry Genetics
Classification: Uncertain significance for Inborn genetic diseases. Last evaluated: 2021-08-09. Review status: criteria provided, single submitter. Criteria: Ambry Variant Classification Scheme 2023. Collection method: clinical testing. Allele origin: germline.

GeneDx
Classification: Uncertain significance. Last evaluated: 2016-06-30. Review status: criteria provided, single submitter. Criteria: GeneDx Variant Classification (06012015). Collection method: clinical testing. Allele origin: germline. Affected: yes.
Comment: A variant of uncertain significance has been identified in the CLN5 gene. The K351E variant has not been published as a pathogenic variant, nor has it been reported as a benign variant to our knowledge. It was not observed in approximately 6,500 individuals of European and African American ancestry in the NHLBI Exome Sequencing Project, indicating it is not a common benign variant in these populations. The K351E variant is a non-conservative amino acid substitution, which is likely to impact secondary protein structure as these residues differ in polarity, charge, size and/or other properties. This substitution occurs at a position that is conserved in mammals. In silico analysis is inconsistent in its predictions as to whether or not the variant is damaging to the protein structure/function. Based on the currently available information, it is unclear whether this variant is a pathogenic variant or a rare benign variant.

Natera, Inc.
Classification: Uncertain significance for Neuronal ceroid lipofuscinosis. Last evaluated: 2020-07-30. Review status: no assertion criteria provided. Collection method: clinical testing. Allele origin: germline. Not counted in ClinVar's aggregate classification.